The following is an entry in ClinVar:

NM_000260.4(MYO7A):c.2363G>A (p.Gly788Glu)

Gene: MYO7A (myosin VIIA; plus strand). Cytogenetic location: 11q13.5.
Variant type: single nucleotide variant.
Coding change: c.2363G>A on transcript NM_000260.4 (MANE Select); coding-DNA position 2363, G replaced by A.
Protein change: p.Gly788Glu; replaces glycine 788 with glutamic acid.
Molecular consequence: missense variant.
Genome position (GRCh38, 1-based): chr11:77,179,125, G>A. VCF-style: chr11-77179125-G-A. GRCh37 (hg19) VCF-style: chr11-76890171-G-A.
Other names: c.2363G>A, p.Gly788Glu (NM_001127180.2); c.2330G>A, p.Gly777Glu (NM_001369365.1); c.2363G>A (NM_000260.3); short protein forms G777E, G788E.
Identifiers: ClinVar variation 2777356 (VCV002777356.4), dbSNP rs1954933264, ClinGen allele CA381941085.

ClinVar aggregate classification (germline): Conflicting classifications of pathogenicity. Review status: criteria provided, conflicting classifications (1 of 4 stars). 2 submissions from 2 submitters: Uncertain significance (1); Likely benign (1). Last evaluated 2026-01-20.

Conditions:
Inborn genetic diseases. Identifiers: MedGen C0950123, MeSH D030342.

Allele frequency attached by ClinVar (database versions not stated): TOPMed below 0.00001.

Submissions (2):

Ambry Genetics
Classification: Likely benign for Inborn genetic diseases. Last evaluated: 2026-01-20. Review status: criteria provided, single submitter. Criteria: Ambry Variant Classification Scheme 2023. Collection method: clinical testing. Allele origin: germline.

Labcorp Genetics (formerly Invitae), Labcorp
Classification: Uncertain significance. Last evaluated: 2023-12-13. Review status: criteria provided, single submitter. Criteria: Invitae Variant Classification Sherloc (09022015). Collection method: clinical testing. Allele origin: germline.
Comment: This sequence change replaces glycine, which is neutral and non-polar, with glutamic acid, which is acidic and polar, at codon 788 of the MYO7A protein (p.Gly788Glu). This variant is not present in population databases (gnomAD no frequency). This variant has not been reported in the literature in individuals affected with MYO7A-related conditions. Advanced modeling of protein sequence and biophysical properties (such as structural, functional, and spatial information, amino acid conservation, physicochemical variation, residue mobility, and thermodynamic stability) performed at Invitae indicates that this missense variant is not expected to disrupt MYO7A protein function with a negative predictive value of 95%. In summary, the available evidence is currently insufficient to determine the role of this variant in disease. Therefore, it has been classified as a Variant of Uncertain Significance.